The following is an entry in ClinVar:

NM_001018005.2(TPM1):c.23T>A (p.Met8Lys)

Gene: TPM1 (tropomyosin 1; plus strand). Cytogenetic location: 15q22.2.
Variant type: single nucleotide variant.
Coding change: c.23T>A on transcript NM_001018005.2 (MANE Select); coding-DNA position 23, T replaced by A.
Protein change: p.Met8Lys; replaces methionine 8 with lysine.
Molecular consequence: missense variant.
Genome position (GRCh38, 1-based): chr15:63,042,852, T>A. VCF-style: chr15-63042852-T-A. GRCh37 (hg19) VCF-style: chr15-63335051-T-A.
Other names: c.23T>A, p.Met8Lys (NM_000366.6, NM_001018004.2, NM_001018006.2 and 7 more transcripts); short protein forms M8K.
Identifiers: ClinVar variation 1005318 (VCV001005318.8), dbSNP rs397516364, ClinGen allele CA392717962.

ClinVar aggregate classification (germline): Uncertain significance (1 of 4 stars; one submission).

Conditions:
Hypertrophic cardiomyopathy. Also called: HYPERTROPHIC MYOCARDIOPATHY. Identifiers: Orphanet 217569, MedGen C0007194, MeSH D002312, MONDO:0005045, HP:0001639.

Submission:

Labcorp Genetics (formerly Invitae), Labcorp
Classification: Uncertain significance for Hypertrophic cardiomyopathy. Last evaluated: 2024-07-21. Review status: criteria provided, single submitter. Criteria: Invitae Variant Classification Sherloc (09022015). Collection method: clinical testing. Allele origin: germline.
Comment: This sequence change replaces methionine, which is neutral and non-polar, with lysine, which is basic and polar, at codon 8 of the TPM1 protein (p.Met8Lys). This variant is not present in population databases (gnomAD no frequency). This variant has not been reported in the literature in individuals affected with TPM1-related conditions. ClinVar contains an entry for this variant (Variation ID: 1005318). An algorithm developed to predict the effect of missense changes on protein structure and function (PolyPhen-2) suggests that this variant is likely to be disruptive. This variant disrupts the p.Met8Arg amino acid residue in TPM1. Other variant(s) that disrupt this residue have been determined to be pathogenic (PMID: 22464770, 33020181). This suggests that this residue is clinically significant, and that variants that disrupt this residue are likely to be disease-causing. In summary, the available evidence is currently insufficient to determine the role of this variant in disease. Therefore, it has been classified as a Variant of Uncertain Significance.

Literature cited by the submitters: PubMed 22464770; PubMed 33020181.